The following is an entry in ClinVar:

NM_001458.5(FLNC):c.5199+1G>C

Gene: FLNC (filamin C; plus strand). Cytogenetic location: 7q32.1.
Variant type: single nucleotide variant.
Coding change: c.5199+1G>C on transcript NM_001458.5 (MANE Select); the canonical splice donor site of the intron after coding-DNA position 5199, G replaced by C.
Molecular consequence: splice donor variant.
Genome position (GRCh38, 1-based): chr7:128,849,579, G>C. VCF-style: chr7-128849579-G-C. GRCh37 (hg19) VCF-style: chr7-128489633-G-C.
Other names: c.5199+1G>C (NM_001127487.2).
Identifiers: ClinVar variation 861680 (VCV000861680.8), dbSNP rs1465588989, ClinGen allele CA369204431.

ClinVar aggregate classification (germline): Likely pathogenic (1 of 4 stars; one submission).

Conditions:
Myofibrillar myopathy 5. Also called: FILAMINOPATHY, AUTOSOMAL DOMINANT; Filaminopathy (type). Identifiers: Orphanet 171445, MedGen C1836050, MONDO:0012289, OMIM 609524.
Distal myopathy with posterior leg and anterior hand involvement. Also called: WILLIAMS DISTAL MYOPATHY. Identifiers: Orphanet 63273, MedGen C3279722, MONDO:0013550, OMIM 614065.
Hypertrophic cardiomyopathy 26. Also called: Cardiomyopathy, familial hypertrophic, 26. Identifiers: Orphanet 75249, MedGen C4310749, MONDO:0014883, OMIM 617047.

Submission:

Labcorp Genetics (formerly Invitae), Labcorp
Classification: Likely pathogenic for Distal myopathy with posterior leg and anterior hand involvement; Myofibrillar myopathy 5; Hypertrophic cardiomyopathy 26. Last evaluated: 2024-03-13. Review status: criteria provided, single submitter. Criteria: Invitae Variant Classification Sherloc (09022015). Collection method: clinical testing. Allele origin: germline.
Comment: This sequence change affects a donor splice site in intron 30 of the FLNC gene. It is expected to disrupt RNA splicing. Variants that disrupt the donor or acceptor splice site typically lead to a loss of protein function (PMID: 16199547), and loss-of-function variants in FLNC are known to be pathogenic (PMID: 27908349). This variant is not present in population databases (gnomAD no frequency). Disruption of this splice site has been observed in individual(s) with dilated cardiomyopathy (Invitae). ClinVar contains an entry for this variant (Variation ID: 861680). Algorithms developed to predict the effect of sequence changes on RNA splicing suggest that this variant may disrupt the consensus splice site. In summary, the currently available evidence indicates that the variant is pathogenic, but additional data are needed to prove that conclusively. Therefore, this variant has been classified as Likely Pathogenic.

Literature cited by the submitters: PubMed 16199547; PubMed 27908349.